The following is an entry in ClinVar:

NM_001165963.4(SCN1A):c.5549T>G (p.Ile1850Ser)

Genes: SCN1A (sodium voltage-gated channel alpha subunit 1; minus strand), LOC102724058 (uncharacterized LOC102724058; plus strand). Cytogenetic location: 2q24.3.
Variant type: single nucleotide variant.
Coding change: c.5549T>G on transcript NM_001165963.4 (MANE Select); coding-DNA position 5549, T replaced by G.
Protein change: p.Ile1850Ser; replaces isoleucine 1850 with serine.
Molecular consequence: missense variant. On other transcripts: non-coding transcript variant (1).
Genome position (GRCh38, 1-based): chr2:165,991,726, A>C on the plus strand (T>G on the coding strand, the complement: SCN1A is on the minus strand). VCF-style: chr2-165991726-A-C. GRCh37 (hg19) VCF-style: chr2-166848236-A-C.
Other names: c.5465T>G, p.Ile1822Ser (NM_001353957.2, NM_001353958.2, NM_001165964.3); c.5462T>G, p.Ile1821Ser (NM_001353960.2); c.3107T>G, p.Ile1036Ser (NM_001353961.2); c.5516T>G, p.Ile1839Ser (NM_006920.6, NM_001353949.2, NM_001353950.2 and 2 more transcripts); c.5549T>G, p.Ile1850Ser (NM_001202435.3, NM_001353948.2); c.5513T>G, p.Ile1838Ser (NM_001353954.2, NM_001353955.2); short protein forms I1036S, I1821S, I1822S, I1838S, I1839S, I1850S.
Identifiers: ClinVar variation 5018466 (VCV005018466.1).

ClinVar aggregate classification (germline): Uncertain significance (1 of 4 stars; one submission).

gnomAD v4.1: 1 of 1,613,902 alleles (0.000062%); highest among the groups gnomAD compares: East Asian, 0.0022%; no homozygotes.

Submission:

GeneDx
Classification: Uncertain significance. Last evaluated: 2026-03-21. Review status: criteria provided, single submitter. Criteria: GeneDx Variant Classification Process June 2021. Collection method: clinical testing. Allele origin: germline.
Comment: Previously reported in association with episodic ataxia and movement induced reflex epilepsy (PMID: 29062094, 38021637); This substitution is predicted to be within the C-terminal cytoplasmic domain; Not observed at significant frequency in large population cohorts (gnomAD); In silico analysis supports that this missense variant has a deleterious effect on protein structure/function; This variant is associated with the following publications: (PMID: 29062094, 38021637)